The following is an entry in ClinVar:

ClinVar aggregate classification (germline): Uncertain significance (1 of 4 stars; one submission).

Submission:

GeneDx
Classification: Uncertain significance. Last evaluated: 2020-12-18. Review status: criteria provided, single submitter. Criteria: GeneDx Variant Classification Process June 2021. Collection method: clinical testing. Allele origin: germline. Affected: yes.
Comment: Not observed in large population cohorts (Lek et al., 2016); In silico analysis supports that this missense variant has a deleterious effect on protein structure/function; Has not been previously published as pathogenic or benign to our knowledge

NM_007214.5(SEC63):c.950C>T (p.Thr317Ile)

Gene: SEC63 (SEC63 homolog, protein translocation regulator; minus strand). Cytogenetic location: 6q21.
Variant type: single nucleotide variant.
Coding change: c.950C>T on transcript NM_007214.5 (MANE Select); coding-DNA position 950, C replaced by T.
Protein change: p.Thr317Ile; replaces threonine 317 with isoleucine.
Molecular consequence: missense variant.
Genome position (GRCh38, 1-based): chr6:107,906,459, G>A on the plus strand (C>T on the coding strand, the complement: SEC63 is on the minus strand). VCF-style: chr6-107906459-G-A. GRCh37 (hg19) VCF-style: chr6-108227663-G-A.
Other names: short protein forms T317I.
Identifiers: ClinVar variation 1313736 (VCV001313736.2), dbSNP rs1787150600, ClinGen allele CA365183468.